The following is an entry in ClinVar:

ClinVar aggregate classification (germline): Uncertain significance (1 of 4 stars; one submission).

Submission:

GeneDx
Classification: Uncertain significance. Last evaluated: 2026-08-31. Review status: criteria provided, single submitter. Criteria: GeneDx Variant Classification Process June 2021. Collection method: clinical testing. Allele origin: germline.
Comment: Not observed at significant frequency in large population cohorts (gnomAD); In silico analysis supports that this missense variant has a deleterious effect on protein structure/function; Has not been previously published as pathogenic or benign to our knowledge

NM_001318510.2(ACSL4):c.1186C>G (p.Arg396Gly)

Gene: ACSL4 (acyl-CoA synthetase long chain family member 4; minus strand). Cytogenetic location: Xq23.
Variant type: single nucleotide variant.
Coding change: c.1186C>G on transcript NM_001318510.2 (MANE Select); coding-DNA position 1186, C replaced by G.
Protein change: p.Arg396Gly; replaces arginine 396 with glycine.
Molecular consequence: missense variant.
Genome position (GRCh38, 1-based): chrX:109,668,230, G>C on the plus strand (C>G on the coding strand, the complement: ACSL4 is on the minus strand). VCF-style: chrX-109668230-G-C. GRCh37 (hg19) VCF-style: chrX-108911459-G-C.
Other names: c.1186C>G, p.Arg396Gly (NM_001437252.1, NM_001437253.1, NM_004458.3 and 2 more transcripts); c.1309C>G, p.Arg437Gly (NM_022977.3, NM_001318509.2, NM_001437245.1 and 2 more transcripts); short protein forms R396G, R437G.
Identifiers: ClinVar variation 4536576 (VCV004536576.2).